The following is an entry in ClinVar:

NM_007055.4(POLR3A):c.1046_1047del (p.Gln349fs)

Gene: POLR3A (RNA polymerase III subunit A; minus strand). Cytogenetic location: 10q22.3.
Variant type: Deletion.
Coding change: c.1046_1047del on transcript NM_007055.4 (MANE Select); coding-DNA positions 1046 to 1047, 2 bases deleted (AG; older notation c.1046_1047delAG).
Protein change: p.Gln349fs; shifts the reading frame from glutamine 349.
Molecular consequence: frameshift variant.
Genome position (GRCh38, 1-based): chr10:78,021,861-78,021,862, CT deleted on the plus strand (AG on the coding strand, the reverse complement: POLR3A is on the minus strand). VCF-style (leftmost placement, unchanged base first): chr10-78021860-CCT-C. GRCh37 (hg19) VCF-style: chr10-79781618-CCT-C.
Other names: NM_007055.4(POLR3A):c.1046_1047del; p.Gln349fs; short protein forms Q349fs.
Identifiers: ClinVar variation 1341525 (VCV001341525.5), dbSNP rs754820097, ClinGen allele CA5571567.

ClinVar aggregate classification (germline): Likely pathogenic. Review status: criteria provided, multiple submitters, no conflicts (2 of 4 stars). 2 submissions from 2 submitters: Likely pathogenic (2). Last evaluated 2023-01-24.

Conditions:
Neonatal pseudo-hydrocephalic progeroid syndrome. Also called: Wiedemann-Rautenstrauch syndrome. Identifiers: Orphanet 3455, MedGen C0406586, MONDO:0009910, OMIM 264090.
Leukodystrophy, hypomyelinating, 7, with or without oligodontia and/or hypogonadotropic hypogonadism (HLD7). Also called: Ataxia, Delayed Dentition and Hypomyelination (ADDH); LEUKOENCEPHALOPATHY, HYPOMYELINATING, WITH ATAXIA AND DELAYED DENTITION; ATAXIA, DELAYED DENTITION, AND HYPOMYELINATION; LEUKODYSTROPHY, HYPOMYELINATING, 7, WITH OLIGODONTIA; LEUKODYSTROPHY, HYPOMYELINATING, 7, WITH OLIGODONTIA AND HYPOGONADOTROPIC HYPOGONADISM; LEUKODYSTROPHY, HYPOMYELINATING, 7, WITHOUT OLIGODONTIA OR HYPOGONADOTROPIC HYPOGONADISM. Identifiers: Orphanet 137639, Orphanet 447893, Orphanet 447896, Orphanet 77295, Orphanet 88637, MedGen CN034185, MONDO:0011897, OMIM 607694.

Allele frequency attached by ClinVar (database versions not stated): gnomAD exomes 0.00001 and 0.00002; ExAC 0.00002; TOPMed below 0.00001; gnomAD 0.00001.

Submissions (2):

Broad Center for Mendelian Genomics, Broad Institute of MIT and Harvard
Classification: Likely pathogenic for Leukodystrophy, hypomyelinating, 7, with or without oligodontia and/or hypogonadotropic hypogonadism. Last evaluated: 2023-01-24. Review status: criteria provided, single submitter. Criteria: ACMG Guidelines, 2015. Collection method: curation. Allele origin: germline. Inheritance: Autosomal recessive inheritance.
Comment: The p.Gln349fs variant in POLR3A has not been previously reported in the literature in individuals with POLR3A-related disorders, but has been identified in 0.003% (1/30614) of South Asian chromosomes by the Genome Aggregation Database (gnomAD; dbSNP ID: rs1373306947). Although this variant has been seen in the general population in a heterozygous state, its frequency is low enough to be consistent with a recessive carrier frequency. This variant has also been reported in ClinVar (Variation ID#: 1341525) and has been interpreted as likely pathogenic by DASA. This variant is predicted to cause a frameshift, which alters the protein‚Äôs amino acid sequence beginning at position 349 and leads to a premature termination codon 4 amino acids downstream. This alteration is then predicted to lead to a truncated or absent protein. Loss of function of the POLR3A gene is an established disease mechanism in autosomal recessive POLR3A-related disorders. In summary, although additional studies are required to fully establish its clinical significance, this variant is likely pathogenic for for autosomal recessive POLR3A-related disorders. ACMG/AMP Criteria applied: PVS1, PM2 (Richards 2015).

Dasa
Classification: Likely pathogenic for Neonatal pseudo-hydrocephalic progeroid syndrome. Last evaluated: 2022-02-14. Review status: criteria provided, single submitter. Criteria: ACMG Guidelines, 2015. Collection method: clinical testing. Allele origin: germline. Affected: yes. Observed: 1 variant allele.
Comment: The c.1046_1047del;p.(Gln349Argfs*4) is a null frameshift variant in the POLR3A gene and predicts alteration of the nonsense-mediate decay - NMD is present in a relevant exon to the transcript - PVS1. The variant is present at low allele frequencies population databases (rs754820097 - gnomAD 0.00006574%; ABraOM no frequency) - PM2_supporting. In summary, the currently available evidence indicates that the variant is likely pathogenic.